The following is an entry in ClinVar:

NM_001081550.2(THOC2):c.2459_2468delinsA (p.Pro820_Ala823delinsHis)

Gene: THOC2 (THO complex subunit 2; minus strand). Cytogenetic location: Xq25.
Variant type: Indel.
Coding change: c.2459_2468delinsA on transcript NM_001081550.2 (MANE Select); coding-DNA positions 2459 to 2468, CAATGTATGC replaced by A.
Protein change: p.Pro820_Ala823delinsHis.
Molecular consequence: inframe indel.
Genome position (GRCh38, 1-based): chrX:123,631,701-123,631,710, GCATACATTG replaced by T on the plus strand (CAATGTATGC replaced by A on the coding strand, the reverse complement: THOC2 is on the minus strand). VCF-style: chrX-123631701-GCATACATTG-T. GRCh37 (hg19) VCF-style: chrX-122765552-GCATACATTG-T.
Identifiers: ClinVar variation 3908036 (VCV003908036.1).

ClinVar aggregate classification (germline): Uncertain significance (1 of 4 stars; one submission).

Submission:

GeneDx
Classification: Uncertain significance. Last evaluated: 2024-12-26. Review status: criteria provided, single submitter. Criteria: GeneDx Variant Classification Process June 2021. Collection method: clinical testing. Allele origin: germline. Affected: yes.
Comment: In-frame deletion of 4 amino acids and insertion of 1 different amino acid in a non-repeat region; In silico analysis supports a deleterious effect on protein structure/function; Not observed at significant frequency in large population cohorts (gnomAD); Has not been previously published as pathogenic or benign to our knowledge